The following is an entry in ClinVar:

GRCh38/hg38 3q22.3(chr3:136302171-136307357)x1

Gene: PCCB (propionyl-CoA carboxylase subunit beta; plus strand). Cytogenetic location: 3q22.3.
Variant type: copy number loss.
Change: copy number 1 (one copy instead of two) of chr3:136,302,171-136,307,357 (5.2 kb, GRCh38 coordinates, 1-based), cytogenetic band 3q22.3.
Identifiers: ClinVar variation 4887053 (VCV004887053.1).

ClinVar aggregate classification (germline): Benign (1 of 4 stars; one submission).

Conditions:
Propionic acidemia (PROP). Also called: GLYCINEMIA, KETOTIC; HYPERGLYCINEMIA WITH KETOACIDOSIS AND LEUKOPENIA; KETOTIC HYPERGLYCINEMIA. Identifiers: Orphanet 35, MedGen C0268579, MONDO:0011628, OMIM 606054, HP:0003571.

Submission:

Lupski Lab, Baylor-Hopkins CMG, Baylor College of Medicine
Classification: Benign for Propionic acidemia. Last evaluated: 2026-08-26. Review status: criteria provided, single submitter. Criteria: ACMG/ClinGen CNV Guidelines, 2019. Collection method: research. Allele origin: germline. Inheritance: Autosomal dominant inheritance. Affected: no. Observed: 1 variant allele, 1 heterozygote.
Comment: This 5,185 bp deletion (chr3:136,302,172-136,307,357, GRCh38) in intron 9 of PCCB is a common structural variant (MAF ~40% globally, ~52% in South Asian populations; observed at high frequency in gnomAD) that does not affect canonical splicing. The deletion was independently identified in two unrelated studies: Kurolap et al. (2023; PMID: 37776842) reported the same deletion (Chr3:136,021,014-136,026,199, GRCh37-equivalent coordinates) masking a pathogenic deep intronic PCCB variant (c.966+1334A>G) in trans, causing pseudo-homozygosity in unaffected parents on short-read sequencing. RT-PCR and Sanger sequencing across the deletion breakpoint confirmed normal, correctly spliced PCCB mRNA from the deletion-containing allele. In our independent cohort, RNA sequencing similarly confirmed that the deletion allele produces canonical splicing with no aberrant transcript, consistent with a benign classification. Given its high population frequency, lack of effect on splicing by two independent functional assessments and observed co-occurrence in trans with a pathogenic variant without additive phenotypic effect, this variant is classified as Benign (BA1, BS1, and functional evidence of normal splicing).

Literature cited by the submitters: PubMed 37776842.